The following is an entry in ClinVar:

ClinVar aggregate classification (germline): Likely benign. Review status: criteria provided, multiple submitters, no conflicts (2 of 4 stars). 3 submissions from 3 submitters: Likely benign (3). Last evaluated 2026-06-23.

Conditions:
FLNC-related disorder. Also called: FLNC-related condition; FLNC-related disorders.
Hypertrophic cardiomyopathy 26. Also called: Cardiomyopathy, familial hypertrophic, 26. Identifiers: Orphanet 75249, MedGen C4310749, MONDO:0014883, OMIM 617047.
Distal myopathy with posterior leg and anterior hand involvement. Also called: WILLIAMS DISTAL MYOPATHY. Identifiers: Orphanet 63273, MedGen C3279722, MONDO:0013550, OMIM 614065.
Myofibrillar myopathy 5. Also called: Filaminopathy (type); FILAMINOPATHY, AUTOSOMAL DOMINANT. Identifiers: Orphanet 171445, MedGen C1836050, MONDO:0012289, OMIM 609524.
Cardiovascular phenotype. Identifiers: MedGen CN230736.

Allele frequency attached by ClinVar (database versions not stated): gnomAD exomes below 0.00001 and 0.00002; gnomAD 0.00002 and 0.00003; ExAC 0.00004; TOPMed 0.00006.
gnomAD v4.1: 9 of 1,612,908 alleles (0.00056%); highest among the groups gnomAD compares: Admixed American, 0.0067%; no homozygotes.

Submissions (3):

PreventionGenetics, part of Exact Sciences
Classification: Likely benign for FLNC-related condition. Last evaluated: 2026-06-23. Review status: criteria provided, single submitter. Criteria: ACMG Guidelines, 2015. Collection method: clinical testing. Allele origin: germline.
Comment: This variant is classified as likely benign based on ACMG/AMP sequence variant interpretation guidelines (Richards et al. 2015 PMID: 25741868, with internal and published modifications).

Labcorp Genetics (formerly Invitae), Labcorp
Classification: Likely benign for Distal myopathy with posterior leg and anterior hand involvement; Myofibrillar myopathy 5; Hypertrophic cardiomyopathy 26. Last evaluated: 2025-07-24. Review status: criteria provided, single submitter. Criteria: Invitae Variant Classification Sherloc (09022015). Collection method: clinical testing. Allele origin: germline.

Ambry Genetics
Classification: Likely benign for Cardiovascular phenotype. Last evaluated: 2021-06-30. Review status: criteria provided, single submitter. Criteria: Ambry Variant Classification Scheme 2023. Collection method: clinical testing. Allele origin: germline.

NM_001458.5(FLNC):c.1305G>A (p.Thr435=)

Gene: FLNC (filamin C; plus strand). Cytogenetic location: 7q32.1.
Variant type: single nucleotide variant.
Coding change: c.1305G>A on transcript NM_001458.5 (MANE Select); coding-DNA position 1305, G replaced by A.
Protein change: p.Thr435=; no amino-acid change (threonine 435 retained).
Molecular consequence: synonymous variant.
Genome position (GRCh38, 1-based): chr7:128,838,697, G>A. VCF-style: chr7-128838697-G-A. GRCh37 (hg19) VCF-style: chr7-128478751-G-A.
Other names: c.1305G>A, p.Thr435= (NM_001127487.2).
Identifiers: ClinVar variation 782190 (VCV000782190.14), dbSNP rs779890960, ClinGen allele CA4474298.